The following is an entry in ClinVar:

NM_000083.3(CLCN1):c.313C>T (p.Arg105Cys)

Gene: CLCN1 (chloride voltage-gated channel 1; plus strand). Cytogenetic location: 7q34.
Variant type: single nucleotide variant.
Coding change: c.313C>T on transcript NM_000083.3 (MANE Select); coding-DNA position 313, C replaced by T.
Protein change: p.Arg105Cys; replaces arginine 105 with cysteine.
Molecular consequence: missense variant. On other transcripts: non-coding transcript variant (1).
Genome position (GRCh38, 1-based): chr7:143,320,675, C>T. VCF-style: chr7-143320675-C-T. GRCh37 (hg19) VCF-style: chr7-143017768-C-T.
Other names: short protein forms R105C.
Identifiers: ClinVar variation 639252 (VCV000639252.66), dbSNP rs201509501, ClinGen allele CA4536912.

ClinVar aggregate classification (germline): Conflicting classifications of pathogenicity. Review status: criteria provided, conflicting classifications (1 of 4 stars). 11 submissions from 11 submitters: Likely pathogenic (1); Uncertain significance (7); Likely benign (2). 1 of the submissions does not count toward it. Last evaluated 2026-04-28.

Conditions:
Congenital myotonia, autosomal dominant form (THD). Also called: THOMSEN DISEASE; Myotonia congenita autosomal dominant. Identifiers: Orphanet 614, MedGen C2936781, MONDO:0008055, OMIM 160800.
Congenital myotonia, autosomal recessive form. Also called: myotonia congenita, autosomal recessive; Becker Generalized Myotonia; BECKER DISEASE. Identifiers: Orphanet 614, MedGen C0751360, MONDO:0009715, OMIM 255700.
Tip-toe gait. Also called: Toe walking. Identifiers: MedGen C0427144, HP:0030051.
CLCN1-related disorder. Also called: CLCN1-related condition.
Batten-Turner congenital myopathy. Also called: Myotonia congenita; Congenital myotonia. Identifiers: Orphanet 206973, MedGen C0027127, MONDO:0100468, OMIM 255300.

Allele frequency attached by ClinVar (database versions not stated): gnomAD 0.00014 and 0.00016; ESP Exome Variant Server 0.00015; gnomAD exomes 0.00035 and 0.00020; 1000 Genomes Project 0.00040; ExAC 0.00028; 1000 Genomes Project 30x 0.00031; TOPMed 0.00023.
gnomAD v4.1: 318 of 1,612,764 alleles (0.02%); highest among the groups gnomAD compares: East Asian, 0.12%; no homozygotes.

Submissions 1 to 10 of 11:

Women's Health and Genetics/Laboratory Corporation of America, LabCorp
Classification: Uncertain significance. Last evaluated: 2026-04-28. Review status: criteria provided, single submitter. Criteria: LabCorp Variant Classification Summary - May 2015. Collection method: clinical testing. Allele origin: germline.
Comment: Variant summary: CLCN1 c.313C>T (p.Arg105Cys) results in a non-conservative amino acid change in the encoded protein sequence. Algorithms developed to predict the effect of missense changes on protein structure and function all suggest that this variant is likely to be disruptive. The variant allele was found at a frequency of 0.00035 in 251472 control chromosomes. This frequency is not significantly higher than estimated for disease-causing variants in CLCN1, allowing no conclusion about variant significance. c.313C>T has been observed in individual(s) affected with Congenital Myotonia, often in cis with p.Phe167Leu (e.g. Brugnoni_2013, Suetterlin_2022, Vereb_2020, Meyer-Kleine_1995, Tan_2014, Orsini_2020, Abolhassani_2024, Vindas-Smith_2016, Mazon_2012, Tan_2011). In several individuals, the two variants were reported along with a third CLCN1 variant. These data do not allow any conclusion about variant significance. Several publications report experimental evidence evaluating an impact on protein function. These results showed no damaging effect of this variant (e.g. Suetterlin_2022, Desaphy_2013, Vindas-Smith_2016). The following publications have been ascertained in the context of this evaluation (PMID: 24349310, 38374194, 23739125, 23933576, 22094069, 8533761, 32117024, 34529042, 21387378, 24037712, 33263785, 26510092). ClinVar contains an entry for this variant (Variation ID: 639252). Based on the evidence outlined above, the variant was classified as uncertain significance.

Labcorp Genetics (formerly Invitae), Labcorp
Classification: Uncertain significance for Congenital myotonia, autosomal recessive form; Congenital myotonia, autosomal dominant form. Last evaluated: 2026-02-01. Review status: criteria provided, single submitter. Criteria: Invitae Variant Classification Sherloc (09022015). Collection method: clinical testing. Allele origin: germline.
Comment: This sequence change replaces arginine, which is basic and polar, with cysteine, which is neutral and slightly polar, at codon 105 of the CLCN1 protein (p.Arg105Cys). This variant is present in population databases (rs201509501, gnomAD 0.2%). This variant has been observed in several individuals affected with myotonia congenita and is almost always reported with p.Phe167Leu (PMID: 23933576, 25065301, 21221019, 26510092, 8533761). In several individuals these two variants were reported along with a third CLCN1 variant (PMID: 22094069, 24349310, 24037712, 34529042) and in at least three individuals p.Arg105Cys and p.Phe167Leu were determined to be on the same chromosome (in cis) (PMID: 23739125, 28427807, 32117024). ClinVar contains an entry for this variant (Variation ID: 639252). Invitae Evidence Modeling of protein sequence and biophysical properties (such as structural, functional, and spatial information, amino acid conservation, physicochemical variation, residue mobility, and thermodynamic stability) has been performed for this missense variant. However, the output from this modeling did not meet the statistical confidence thresholds required to predict the impact of this variant on CLCN1 protein function. Experimental studies have shown that this missense change does not substantially affect CLCN1 function (PMID: 23933576, 26510092). In summary, the available evidence is currently insufficient to determine the role of this variant in disease. Therefore, it has been classified as a Variant of Uncertain Significance.

Dasa
Classification: Uncertain significance. Last evaluated: 2025-01-09. Review status: criteria provided, single submitter. Criteria: DASA Assertion Criteria. Collection method: clinical testing. Allele origin: germline.
Comment: NM_000083.3(CLCN1):c.313C>T (p.Arg105Cys) is a missense variant that results in the substitution of arginine with cysteine. Segregation data support an association with disease in the reported family/families. This variant has been observed in affected individuals with CLCN1-related disorders. Also, this variant is rare in population databases. Computational prediction algorithms are consistent with a deleterious effect. The currently available literature and clinical evidence are not sufficient to establish a definitive association between this variant and the reported condition. Therefore, this variant is classified as a variant of uncertain significance.

Revvity Omics, Revvity
Classification: Uncertain significance. Last evaluated: 2024-10-16. Review status: criteria provided, single submitter. Criteria: ACMG Guidelines, 2015. Collection method: clinical testing. Allele origin: germline.

Blueprint Genetics
Classification: Likely pathogenic for CLCN1-related disorders. Last evaluated: 2024-05-14. Review status: criteria provided, single submitter. Criteria: ACMG Guidelines, 2015. Collection method: clinical testing. Allele origin: germline. Affected: yes. Observed: 5 variant alleles.

Molecular Genetics, Royal Melbourne Hospital
Classification: Uncertain significance for Congenital myotonia, autosomal recessive form. Last evaluated: 2024-03-01. Review status: criteria provided, single submitter. Criteria: ACMG Guidelines, 2015. Collection method: clinical testing. Allele origin: germline. Inheritance: Autosomal recessive inheritance. Affected: yes.
Comment: This sequence change in CLCN1 is predicted to replace arginine with cysteine at codon 105, p.(Arg105Cys). The arginine residue is moderately conserved (100 vertebrates, Multiz Alignments), and is located in the cytoplasmic alpha-A helix (PMID: 33573884). There is a large physicochemical difference between arginine and cysteine. The highest population minor allele frequency in the population database gnomAD v4.0 is 0.1% (53/44,826 alleles) in the East Asian population. This variant is typically reported in cis with c.501C>G p.(Phe167Leu) (PMID: 21221019, 21387378, 22094069, 22109722, 23739125, 24349310, 28427807, 33573884). It has been reported alone in the heterozygous state in individuals with inconsistent phenotypes or unaffected (PMID: 8533761, 28403181, 32660787), and compound heterozygous with a pathogenic variant in a foetus undergoing prenatal carrier testing (PMID: 31130284). Patch clamp assays in Xenopus oocytes and mammalian cell lines with limited validation demonstrate normal voltage-dependent activation for this variant (PMID: 23933576, 26510092, 34529042). Computational evidence predicts a deleterious effect for the missense substitution (REVEL = 0.772). Based on the classification scheme RMH Modified ACMG/AMP Guidelines v1.6.1, this variant is classified as a VARIANT OF UNCERTAIN SIGNIFICANCE. Following criteria are met: BS3_Supporting, PP3.

Kariminejad - Najmabadi Pathology & Genetics Center
Classification: Uncertain significance for Congenital myotonia, autosomal dominant form; Congenital myotonia, autosomal recessive form. Last evaluated: 2024-02-19. Review status: criteria provided, single submitter. Criteria: ACMG Guidelines, 2015. Collection method: clinical testing. Allele origin: germline. Inheritance: Autosomal recessive inheritance. Affected: yes. Observed: 4 variant alleles.
Comment: PM2-Supporting,PP3,PP2,BS3-Supporting,PM3-Supporting

GeneDx
Classification: Likely benign. Last evaluated: 2020-09-15. Review status: criteria provided, single submitter. Criteria: GeneDx Variant Classification Process June 2021. Collection method: clinical testing. Allele origin: germline. Affected: yes.
Comment: In silico analysis, which includes protein predictors and evolutionary conservation, supports a deleterious effect; This variant is associated with the following publications: (PMID: 31130284, 31544778, 32660787, 21221019, 24037712, 25065301, 32117024, 26510092, 23933576, 24349310, 27614575, 29606556, 28403181, 28427807, 23739125, 8533761, 15786415, 22094069)

CeGaT Center for Human Genetics Tuebingen
Classification: Uncertain significance. Last evaluated: 2018-11-01. Review status: criteria provided, single submitter. Criteria: CeGaT Center For Human Genetics Tuebingen Variant Classification Criteria Version 2. Collection method: clinical testing. Allele origin: germline. Affected: yes. Observed: 1 variant allele.

Illumina Laboratory Services, Illumina
Classification: Likely benign for Myotonia congenita. Last evaluated: 2017-04-27. Review status: criteria provided, single submitter. Criteria: ICSL Variant Classification Criteria 13 December 2019. Collection method: clinical testing. Allele origin: germline.
Comment: This variant was observed as part of a predisposition screen in an ostensibly healthy population. A literature search was performed for the gene, cDNA change, and amino acid change (where applicable). No publications were found based on this search. Allele frequency data from public databases allowed determination this variant is unlikely to cause disease. Therefore, this variant is classified as likely benign.